The following is an entry in ClinVar:

NM_000089.4(COL1A2):c.2380C>T (p.Arg794Trp)

Gene: COL1A2 (collagen type I alpha 2 chain; plus strand). Cytogenetic location: 7q21.3.
Variant type: single nucleotide variant.
Coding change: c.2380C>T on transcript NM_000089.4 (MANE Select); coding-DNA position 2380, C replaced by T.
Protein change: p.Arg794Trp; replaces arginine 794 with tryptophan.
Molecular consequence: missense variant.
Genome position (GRCh38, 1-based): chr7:94,421,929, C>T. VCF-style: chr7-94421929-C-T. GRCh37 (hg19) VCF-style: chr7-94051241-C-T.
Other names: short protein forms R794W.
Identifiers: ClinVar variation 1693361 (VCV001693361.23), dbSNP rs759251034, ClinGen allele CA4347421.

ClinVar aggregate classification (germline): Conflicting classifications of pathogenicity. Review status: criteria provided, conflicting classifications (1 of 4 stars). 5 submissions from 5 submitters: Likely pathogenic (1); Uncertain significance (4). Last evaluated 2026-02-19.

Conditions:
Ehlers-Danlos syndrome, classic type, 1 (EDSCL1). Also called: Ehlers-Danlos syndrome, type 1; Ehlers-Danlos Syndrome, Classic Type, COL5A1-Related; EDS I; EHLERS-DANLOS SYNDROME, GRAVIS TYPE; EHLERS-DANLOS SYNDROME, SEVERE CLASSIC TYPE. Identifiers: MedGen C0268335, MONDO:0019567, OMIM 130000.
Osteogenesis imperfecta type I (OI1). Also called: OI, TYPE I; OSTEOGENESIS IMPERFECTA TARDA; OSTEOGENESIS IMPERFECTA WITH BLUE SCLERAE; Osteogenesis imperfecta type 1; Lobstein's Disease; Lobstein disease. Identifiers: Orphanet 216796, Orphanet 666, MedGen C0023931, MONDO:0008146, OMIM 166200. Disease mechanism: loss of function.
Ehlers-Danlos syndrome, arthrochalasia type, 2. Also called: EHLERS-DANLOS SYNDROME, TYPE VIIB, AUTOSOMAL DOMINANT. Identifiers: MedGen CN293783, MONDO:0040501, OMIM 617821.
Combined osteogenesis imperfecta and Ehlers-Danlos syndrome 2. Also called: OIEDS SYNDROME 2. Identifiers: MedGen C5436847, MONDO:0030855, OMIM 619120.
Osteogenesis imperfecta with normal sclerae, dominant form (OI4). Also called: OSTEOGENESIS IMPERFECTA WITH NORMAL SCLERAE; Osteogenesis imperfecta type 4; OSTEOGENESIS IMPERFECTA, TYPE IV, WITH DENTINOGENESIS IMPERFECTA; Common Variable Osteogenesis Imperfecta with Normal Sclerae; Osteogenesis Imperfecta Type IV. Identifiers: Orphanet 216820, Orphanet 666, MedGen C0268363, MONDO:0008148, OMIM 166220.
Osteogenesis imperfecta, perinatal lethal (OI2). Also called: OI, TYPE II; OSTEOGENESIS IMPERFECTA CONGENITA; VROLIK TYPE OF OSTEOGENESIS IMPERFECTA; Osteogenesis imperfecta type 2; OSTEOGENESIS IMPERFECTA, TYPE II; Osteogenesis imperfecta, dominant perinatal lethal. Identifiers: Orphanet 216804, MedGen C0268358, MONDO:0008147, OMIM 166210.
Osteogenesis imperfecta type III (OI3). Also called: Progressively Deforming Osteogenesis Imperfecta; Osteogenesis imperfecta type 3; OI type 3; Osteogenesis imperfecta, progressively deforming with normal sclerae; OI type III. Identifiers: Orphanet 216812, Orphanet 666, MedGen C0268362, MONDO:0009804, OMIM 259420.

Allele frequency attached by ClinVar (database versions not stated): ExAC 0.00001; gnomAD exomes 0.00001; gnomAD 0.00002 and 0.00003; TOPMed 0.00003.
gnomAD v4.1: 17 of 1,614,004 alleles (0.0011%); highest among the groups gnomAD compares: Admixed American, 0.0083%; no homozygotes.

Submissions (5):

Dasa
Classification: Uncertain significance. Last evaluated: 2026-02-19. Review status: criteria provided, single submitter. Criteria: DASA Assertion Criteria. Collection method: clinical testing. Allele origin: germline.
Comment: NM_000089.4(COL1A2):c.2380C>T (p.Arg794Trp) is a missense variant that results in the substitution of arginine with tryptophan. This variant is rare in population databases. Computational prediction algorithms are consistent with a deleterious effect. The currently available literature and clinical evidence are not sufficient to establish a definitive association between this variant and the reported condition. Therefore, this variant is classified as a variant of uncertain significance.

GeneDx
Classification: Uncertain significance. Last evaluated: 2025-09-12. Review status: criteria provided, single submitter. Criteria: GeneDx Variant Classification Process June 2021. Collection method: clinical testing. Allele origin: germline. Affected: yes.
Comment: Not observed at significant frequency in large population cohorts (gnomAD); In silico analysis supports that this missense variant has a deleterious effect on protein structure/function; Occurs in the triple helical domain at the X position in the canonical Gly-X-Y repeat; although this variant may have an effect on normal protein folding and function, missense substitution at the X position is not a common mechanism of disease (HGMD); Has not been previously published as pathogenic or benign to our knowledge

CeGaT Center for Human Genetics Tuebingen
Classification: Uncertain significance. Last evaluated: 2025-02-01. Review status: criteria provided, single submitter. Criteria: CeGaT Center For Human Genetics Tuebingen Variant Classification Criteria Version 2. Collection method: clinical testing. Allele origin: germline. Affected: yes. Observed: 1 variant allele.
Comment: COL1A2: PM2

Labcorp Genetics (formerly Invitae), Labcorp
Classification: Uncertain significance for Osteogenesis imperfecta type I; Ehlers-Danlos syndrome, classic type, 1. Last evaluated: 2024-07-03. Review status: criteria provided, single submitter. Criteria: Invitae Variant Classification Sherloc (09022015). Collection method: clinical testing. Allele origin: germline.
Comment: This sequence change replaces arginine, which is basic and polar, with tryptophan, which is neutral and slightly polar, at codon 794 of the COL1A2 protein (p.Arg794Trp). This variant is present in population databases (rs759251034, gnomAD 0.006%). This variant has not been reported in the literature in individuals affected with COL1A2-related conditions. ClinVar contains an entry for this variant (Variation ID: 1693361). Advanced modeling of protein sequence and biophysical properties (such as structural, functional, and spatial information, amino acid conservation, physicochemical variation, residue mobility, and thermodynamic stability) performed at Invitae indicates that this missense variant is expected to disrupt COL1A2 protein function with a positive predictive value of 95%. In summary, the available evidence is currently insufficient to determine the role of this variant in disease. Therefore, it has been classified as a Variant of Uncertain Significance.

Institute of Human Genetics, Clinical Exome/Genome Diagnostics Group, University Hospital Bonn
Classification: Likely pathogenic for Combined osteogenesis imperfecta and Ehlers-Danlos syndrome 2; Ehlers-Danlos syndrome, arthrochalasia type, 2; Osteogenesis imperfecta, perinatal lethal; Osteogenesis imperfecta type III; Osteogenesis imperfecta with normal sclerae, dominant form. Last evaluated: 2020-11-07. Review status: criteria provided, single submitter. Criteria: ACMG Guidelines, 2015. Collection method: clinical testing. Allele origin: paternal. Affected: yes.